The following is an entry in ClinVar:

ClinVar aggregate classification (germline): Uncertain significance (1 of 4 stars; one submission).

gnomAD v4.1: 2 of 1,595,772 alleles (0.00013%); highest among the groups gnomAD compares: Non-Finnish European, 0.00017%; no homozygotes.

Submission:

Ambry Genetics
Classification: Uncertain significance. Last evaluated: 2026-03-06. Review status: criteria provided, single submitter. Criteria: Ambry Variant Classification Scheme 2023. Collection method: clinical testing. Allele origin: germline.
Comment: The p.Q349R variant (also known as c.1046A>G), located in coding exon 9 of the GEN1 gene, results from an A to G substitution at nucleotide position 1046. The glutamine at codon 349 is replaced by arginine, an amino acid with highly similar properties. This amino acid position is conserved. In addition, this alteration is predicted to be tolerated by in silico analysis. Based on the available evidence, the clinical significance of this variant remains unclear.

NM_001130009.3(GEN1):c.1046A>G (p.Gln349Arg)

Gene: GEN1 (GEN1 structure-specific endonuclease; plus strand). Cytogenetic location: 2p24.2.
Variant type: single nucleotide variant.
Coding change: c.1046A>G on transcript NM_001130009.3 (MANE Select); coding-DNA position 1046, A replaced by G.
Protein change: p.Gln349Arg; replaces glutamine 349 with arginine.
Molecular consequence: missense variant.
Genome position (GRCh38, 1-based): chr2:17,773,274, A>G. VCF-style: chr2-17773274-A-G. GRCh37 (hg19) VCF-style: chr2-17954541-A-G.
Other names: c.1046A>G, p.Gln349Arg (NM_182625.5); short protein forms Q349R.
Identifiers: ClinVar variation 4826298 (VCV004826298.1).